The following is an entry in ClinVar:

NM_000322.5(PRPH2):c.440C>A (p.Pro147His)

Gene: PRPH2 (peripherin 2; minus strand). Cytogenetic location: 6p21.1.
Variant type: single nucleotide variant.
Coding change: c.440C>A on transcript NM_000322.5 (MANE Select); coding-DNA position 440, C replaced by A.
Protein change: p.Pro147His; replaces proline 147 with histidine.
Molecular consequence: missense variant.
Genome position (GRCh38, 1-based): chr6:42,721,895, G>T on the plus strand (C>A on the coding strand, the complement: PRPH2 is on the minus strand). VCF-style: chr6-42721895-G-T. GRCh37 (hg19) VCF-style: chr6-42689633-G-T.
Other names: short protein forms P147H.
Identifiers: ClinVar variation 1398079 (VCV001398079.6), dbSNP rs2152010934, ClinGen allele CA364137556.
Genomic context (GRCh38, chr6:42,721,895, plus strand): 5'-CCGCAGCATTTGAACTCGATCTGCAGCATGTCGATGGTCTTCTTCATGAAACACCTGCCA[G>T]GGGTGTCTGTGTCCCGGTAGTACTTCATGCCGTTCTTGAGCCCTTGGCCCAGGGTGTTCT-3'
Protein context (NP_000313.2, residues 137-157): GMKYYRDTDT[Pro147His]GRCFMKKTID

ClinVar aggregate classification (germline): Uncertain significance (1 of 4 stars; one submission).

Conditions:
PRPH2-related disorder. Also called: PRPH2-related condition; PRPH2-related disorders. Identifiers: MedGen CN239395.

Submission:

Labcorp Genetics (formerly Invitae), Labcorp
Classification: Uncertain significance for PRPH2-related disorder. Last evaluated: 2025-11-27. Review status: criteria provided, single submitter. Criteria: Invitae Variant Classification Sherloc (09022015). Collection method: clinical testing. Allele origin: germline.
Comment: This sequence change replaces proline, which is neutral and non-polar, with histidine, which is basic and polar, at codon 147 of the PRPH2 protein (p.Pro147His). This variant is not present in population databases (gnomAD no frequency). This variant has not been reported in the literature in individuals affected with PRPH2-related conditions. ClinVar contains an entry for this variant (Variation ID: 1398079). Invitae Evidence Modeling of protein sequence and biophysical properties (such as structural, functional, and spatial information, amino acid conservation, physicochemical variation, residue mobility, and thermodynamic stability) indicates that this missense variant is expected to disrupt PRPH2 protein function with a positive predictive value of 95%. In summary, the available evidence is currently insufficient to determine the role of this variant in disease. Therefore, it has been classified as a Variant of Uncertain Significance.